The following is an entry in ClinVar:

NM_201384.3(PLEC):c.2536G>A (p.Gly846Ser)

Gene: PLEC (plectin; minus strand). Cytogenetic location: 8q24.3.
Variant type: single nucleotide variant.
Coding change: c.2536G>A on transcript NM_201384.3 (MANE Select); coding-DNA position 2536, G replaced by A.
Protein change: p.Gly846Ser; replaces glycine 846 with serine.
Molecular consequence: missense variant.
Genome position (GRCh38, 1-based): chr8:143,930,220, C>T on the plus strand (G>A on the coding strand, the complement: PLEC is on the minus strand). VCF-style: chr8-143930220-C-T. GRCh37 (hg19) VCF-style: chr8-145004388-C-T.
Other names: c.2617G>A, p.Gly873Ser (NM_000445.5); c.2494G>A, p.Gly832Ser (NM_201378.4); c.2470G>A, p.Gly824Ser (NM_201379.3); c.2947G>A, p.Gly983Ser (NM_201380.4); c.2440G>A, p.Gly814Ser (NM_201381.3); c.2536G>A, p.Gly846Ser (NM_201382.4); c.2548G>A, p.Gly850Ser (NM_201383.3); short protein forms G814S, G824S, G832S, G846S, G850S, G873S, G983S.
Identifiers: ClinVar variation 497072 (VCV000497072.18), dbSNP rs189233521, ClinGen allele CA4927486.

ClinVar aggregate classification (germline): Conflicting classifications of pathogenicity. Review status: criteria provided, conflicting classifications (1 of 4 stars). 4 submissions from 4 submitters: Uncertain significance (1); Benign (1); Likely benign (1). 1 of the submissions does not count toward it. Last evaluated 2026-01-04.

Conditions:
PLEC-related disorder. Also called: PLEC-related disorders; PLEC-related condition.
Autosomal recessive limb-girdle muscular dystrophy type 2Q (LGMDR17). Also called: MUSCULAR DYSTROPHY, LIMB-GIRDLE, AUTOSOMAL RECESSIVE 17. Identifiers: Orphanet 254361, MedGen C3150989, MONDO:0013390, OMIM 613723.
Epidermolysis bullosa simplex with nail dystrophy (EBS5D). Identifiers: MedGen C4225309, MONDO:0014661, OMIM 616487.
Epidermolysis bullosa simplex 5B, with muscular dystrophy (EBS5B). Also called: EPIDERMOLYSIS BULLOSA SIMPLEX AND LIMB-GIRDLE MUSCULAR DYSTROPHY; Epidermolysis bullosa simplex with muscular dystrophy. Identifiers: Orphanet 257, MedGen C2931072, MONDO:0009181, OMIM 226670.
Epidermolysis bullosa simplex, Ogna type (EBS5A). Also called: EPIDERMOLYSIS BULLOSA SIMPLEX 5A, OGNA TYPE; Pidermolysis bullosa simplex 5A, Ogna type. Identifiers: Orphanet 79401, MedGen C0432317, MONDO:0007555, OMIM 131950.
Epidermolysis bullosa simplex 5C, with pyloric atresia (EBS5C). Also called: PLEC-Related Epidermolysis Bullosa with Pyloric Atresia; PLEC1-Related Epidermolysis Bullosa with Pyloric Atresia; Epidermolysis bullosa simplex with pyloric atresia. Identifiers: Orphanet 158684, MedGen C2677349, MONDO:0012807, OMIM 612138.

Allele frequency attached by ClinVar (database versions not stated): ESP Exome Variant Server 0.00008; gnomAD 0.00031 and 0.00040; TOPMed 0.00046; ExAC 0.00092; 1000 Genomes Project 0.00140; 1000 Genomes Project 30x 0.00219.
gnomAD v4.1: 713 of 1,587,700 alleles (0.045%); highest among the groups gnomAD compares: East Asian, 0.3%; no homozygotes.

Submissions (4):

Labcorp Genetics (formerly Invitae), Labcorp
Classification: Benign for Autosomal recessive limb-girdle muscular dystrophy type 2Q; Epidermolysis bullosa simplex, Ogna type; Epidermolysis bullosa simplex with nail dystrophy; Epidermolysis bullosa simplex 5C, with pyloric atresia; Epidermolysis bullosa simplex 5B, with muscular dystrophy. Last evaluated: 2026-01-04. Review status: criteria provided, single submitter. Criteria: Invitae Variant Classification Sherloc (09022015). Collection method: clinical testing. Allele origin: germline.

GeneDx
Classification: Likely benign. Last evaluated: 2021-03-12. Review status: criteria provided, single submitter. Criteria: GeneDx Variant Classification (06012015). Collection method: clinical testing. Allele origin: germline. Affected: yes.
Comment: This variant is associated with the following publications: (PMID: 32707200)

Eurofins Ntd Llc (ga)
Classification: Uncertain significance. Last evaluated: 2016-10-03. Review status: criteria provided, single submitter. Criteria: EGL Classification Definitions 2015. Collection method: clinical testing. Allele origin: germline. Observed: 4 variant alleles, 4 heterozygotes.

PreventionGenetics, part of Exact Sciences
Classification: Likely benign for PLEC-related condition. Last evaluated: 2020-03-23. Review status: no assertion criteria provided. Collection method: clinical testing. Allele origin: germline. Not counted in ClinVar's aggregate classification.
Comment: This variant is classified as likely benign based on ACMG/AMP sequence variant interpretation guidelines (Richards et al. 2015 PMID: 25741868, with internal and published modifications).